The following is an entry in ClinVar:

ClinVar aggregate classification (germline): Pathogenic. Review status: criteria provided, multiple submitters, no conflicts (2 of 4 stars). 3 submissions from 3 submitters: Pathogenic (2). 1 of the submissions does not count toward it. Last evaluated 2021-02-24.

Conditions:
Congenital adrenal hypoplasia, X-linked (AHC). Also called: ADRENAL HYPOPLASIA, CONGENITAL, WITH HYPOGONADOTROPIC HYPOGONADISM; Isolated X-Linked Adrenal Hypoplasia Congenita; X-linked AHC; X-Linked Adrenal Hypoplasia Congenita. Identifiers: Orphanet 95702, MedGen C0342482, MONDO:0010264, OMIM 300200. Disease mechanism: loss of function.
46,XY sex reversal 2. Also called: Dosage-sensitive sex reversal; 46XY sex reversal 2, dosage-sensitive; NR0B1-Related 46,XY CGD; NR0B1-related 46,XY complete gonadal dysgenesis; 46,XY SEX REVERSAL, DAX1-RELATED. Identifiers: MedGen C1848296, MONDO:0010226, OMIM 300018.

Submissions (3):

Labcorp Genetics (formerly Invitae), Labcorp
Classification: Pathogenic for Congenital adrenal hypoplasia, X-linked; 46,XY sex reversal 2. Last evaluated: 2021-02-24. Review status: criteria provided, single submitter. Criteria: Invitae Variant Classification Sherloc (09022015). Collection method: clinical testing. Allele origin: germline.
Comment: This variant is not present in population databases (ExAC no frequency). This sequence change creates a premature translational stop signal (p.Cys109*) in the NR0B1 gene. It is expected to result in an absent or disrupted protein product. Loss-of-function variants in NR0B1 are known to be pathogenic (PMID: 7990958, 15841486). For these reasons, this variant has been classified as Pathogenic. This variant has been observed in individual(s) with congenital adrenal hypoplasia (PMID: 23018754, 11748841). ClinVar contains an entry for this variant (Variation ID: 444090).

Institute of Human Genetics Munich, TUM University Hospital
Classification: Pathogenic for Congenital adrenal hypoplasia, X-linked. Last evaluated: 2017-09-26. Review status: criteria provided, single submitter. Criteria: Classification criteria August 2017. Collection method: clinical testing. Allele origin: maternal. Inheritance: X-linked recessive inheritance. Affected: yes. Observed: 1 hemizygote.

Clinical Molecular Genetics Laboratory, Johns Hopkins All Children's Hospital
Classification: Pathogenic for Congenital adrenal hypoplasia, X-linked. Last evaluated: 2009-03-03. Review status: no assertion criteria provided. Collection method: clinical testing. Allele origin: germline. Affected: yes. Not counted in ClinVar's aggregate classification.

Literature cited by the submitters: PubMed 7990958 (cited by Labcorp Genetics (formerly Invitae), Labcorp); PubMed 15841486 (cited by Labcorp Genetics (formerly Invitae), Labcorp); PubMed 23018754 (cited by Labcorp Genetics (formerly Invitae), Labcorp); PubMed 11748841 (cited by Labcorp Genetics (formerly Invitae), Labcorp).

NM_000475.5(NR0B1):c.327C>A (p.Cys109Ter)

Gene: NR0B1 (nuclear receptor subfamily 0 group B member 1; minus strand). Cytogenetic location: Xp21.2.
Variant type: single nucleotide variant.
Coding change: c.327C>A on transcript NM_000475.5 (MANE Select); coding-DNA position 327, C replaced by A.
Protein change: p.Cys109Ter; replaces cysteine 109 with a stop codon.
Molecular consequence: nonsense.
Genome position (GRCh38, 1-based): chrX:30,309,037, G>T on the plus strand (C>A on the coding strand, the complement: NR0B1 is on the minus strand). VCF-style: chrX-30309037-G-T. GRCh37 (hg19) VCF-style: chrX-30327154-G-T.
Other names: short protein forms C109*.
Identifiers: ClinVar variation 444090 (VCV000444090.10), dbSNP rs1555973172, ClinGen allele CA412548991.